The following is an entry in ClinVar:

ClinVar aggregate classification (germline): Conflicting classifications of pathogenicity. Review status: criteria provided, conflicting classifications (1 of 4 stars). 4 submissions from 4 submitters: Uncertain significance (1); Likely benign (3). Last evaluated 2026-01-18.

Conditions:
Inborn genetic diseases. Identifiers: MedGen C0950123, MeSH D030342.
ADGRV1-related disorder. Also called: ADGRV1-related disorders; ADGRV1-related condition.

Allele frequency attached by ClinVar (database versions not stated): gnomAD 0.00005; gnomAD exomes 0.00012; ExAC 0.00028; 1000 Genomes Project 30x 0.00031; 1000 Genomes Project 0.00040.
gnomAD v4.1: 190 of 1,613,936 alleles (0.012%); highest among the groups gnomAD compares: South Asian, 0.2%; 4 homozygotes.

Submissions (4):

Labcorp Genetics (formerly Invitae), Labcorp
Classification: Likely benign. Last evaluated: 2026-01-18. Review status: criteria provided, single submitter. Criteria: Invitae Variant Classification Sherloc (09022015). Collection method: clinical testing. Allele origin: germline.

PreventionGenetics, part of Exact Sciences
Classification: Likely benign for ADGRV1-related condition. Last evaluated: 2026-01-10. Review status: criteria provided, single submitter. Criteria: ACMG Guidelines, 2015. Collection method: clinical testing. Allele origin: germline.
Comment: This variant is classified as likely benign based on ACMG/AMP sequence variant interpretation guidelines (Richards et al. 2015 PMID: 25741868, with internal and published modifications).

Ambry Genetics
Classification: Uncertain significance for Inborn genetic diseases. Last evaluated: 2025-06-07. Review status: criteria provided, single submitter. Criteria: Ambry Variant Classification Scheme 2023. Collection method: clinical testing. Allele origin: germline.

Blueprint Genetics
Classification: Likely benign. Last evaluated: 2024-08-02. Review status: criteria provided, single submitter. Criteria: ACMG Guidelines, 2015. Collection method: clinical testing. Allele origin: germline.

NM_032119.4(ADGRV1):c.3860T>C (p.Ile1287Thr)

Gene: ADGRV1 (adhesion G protein-coupled receptor V1; plus strand). Cytogenetic location: 5q14.3.
Variant type: single nucleotide variant.
Coding change: c.3860T>C on transcript NM_032119.4 (MANE Select); coding-DNA position 3860, T replaced by C.
Protein change: p.Ile1287Thr; replaces isoleucine 1287 with threonine.
Molecular consequence: missense variant. On other transcripts: non-coding transcript variant (1).
Genome position (GRCh38, 1-based): chr5:90,653,434, T>C. VCF-style: chr5-90653434-T-C. GRCh37 (hg19) VCF-style: chr5-89949251-T-C.
Other names: c.3860T>C (NM_032119.3); short protein forms I1287T.
Identifiers: ClinVar variation 2170335 (VCV002170335.7), dbSNP rs547705769, ClinGen allele CA3339251.